The following is an entry in ClinVar:

ClinVar aggregate classification (germline): Uncertain significance (1 of 4 stars; one submission).

Conditions:
Neurofibromatosis, type 1 (NF1). Also called: Neurofibromatosis, type I; NEUROFIBROMATOSIS, TYPE I, SOMATIC; Peripheral type neurofibromatosis; VON RECKLINGHAUSEN DISEASE. Identifiers: Orphanet 636, MedGen C0027831, MONDO:0018975, OMIM 162200. Disease mechanism: loss of function.

Submission:

Labcorp Genetics (formerly Invitae), Labcorp
Classification: Uncertain significance for Neurofibromatosis, type 1. Last evaluated: 2024-03-07. Review status: criteria provided, single submitter. Criteria: Invitae Variant Classification Sherloc (09022015). Collection method: clinical testing. Allele origin: germline.
Comment: This sequence change falls in intron 47 of the NF1 gene. It does not directly change the encoded amino acid sequence of the NF1 protein. It affects a nucleotide within the consensus splice site. This variant is not present in population databases (gnomAD no frequency). This variant has not been reported in the literature in individuals affected with NF1-related conditions. Variants that disrupt the consensus splice site are a relatively common cause of aberrant splicing (PMID: 17576681, 9536098). Algorithms developed to predict the effect of sequence changes on RNA splicing suggest that this variant is not likely to affect RNA splicing. In summary, the available evidence is currently insufficient to determine the role of this variant in disease. Therefore, it has been classified as a Variant of Uncertain Significance.

Literature cited by the submitters: PubMed 17576681; PubMed 9536098.

NM_001042492.3(NF1):c.7189+6A>C

Gene: NF1 (neurofibromin 1; plus strand). Cytogenetic location: 17q11.2.
Variant type: single nucleotide variant.
Coding change: c.7189+6A>C on transcript NM_001042492.3 (MANE Select); 6 bases into the intron after coding-DNA position 7189, A replaced by C.
Molecular consequence: intron variant.
Genome position (GRCh38, 1-based): chr17:31,343,141, A>C. VCF-style: chr17-31343141-A-C. GRCh37 (hg19) VCF-style: chr17-29670159-A-C.
Other names: c.7126+6A>C (NM_000267.4).
Identifiers: ClinVar variation 2861750 (VCV002861750.3), dbSNP rs2508780459, ClinGen allele CA2739265563.
Genomic context (GRCh38, chr17:31,343,141, plus strand): 5'-GGACTCAATTTCAACTCTAACTTTAACTTTGCATTGGTTGGACACCTTTTAAAAGGTAAA[A>C]AAGCCTTATTTAGAATATTTTTATGAAGTACTATTAAGAAACCAGAAGTAATTTGAATAA-3'